The following is an entry in ClinVar:

NM_000681.4(ADRA2A):c.1091C>T (p.Pro364Leu)

Gene: ADRA2A (adrenoceptor alpha 2A; plus strand). Cytogenetic location: 10q25.2.
Variant type: single nucleotide variant.
Coding change: c.1091C>T on transcript NM_000681.4 (MANE Select); coding-DNA position 1091, C replaced by T.
Protein change: p.Pro364Leu; replaces proline 364 with leucine.
Molecular consequence: missense variant.
Genome position (GRCh38, 1-based): chr10:111,079,087, C>T. VCF-style: chr10-111079087-C-T. GRCh37 (hg19) VCF-style: chr10-112838845-C-T.
Other names: short protein forms P364L.
Identifiers: ClinVar variation 3839160 (VCV003839160.3).
Genomic context (GRCh38, chr10:111,079,087, plus strand): 5'-GCGACAGCCTGCCGCGGCGCGGGCCGGGGGCGACGGGGATCGGGACGCCGGCTGCAGGGC[C>T]GGGGGAGGAGCGCGTCGGGGCTGCCAAGGCGTCGCGCTGGCGCGGGCGGCAGAACCGCGA-3'
Protein context (NP_000672.3, residues 354-374): ATGIGTPAAG[Pro364Leu]GEERVGAAKA

ClinVar aggregate classification (germline): Uncertain significance. Review status: criteria provided, multiple submitters, no conflicts (2 of 4 stars). 2 submissions from 2 submitters: Uncertain significance (2). Last evaluated 2025-12-01.

Submissions (2):

Dasa
Classification: Uncertain significance. Last evaluated: 2025-12-01. Review status: criteria provided, single submitter. Criteria: DASA Assertion Criteria. Collection method: clinical testing. Allele origin: germline.
Comment: NM_000681.4(ADRA2A):c.1091C>T (p.Pro364Leu) is a missense variant that results in the substitution of proline with leucine. This variant is rare in population databases. Computational prediction algorithms are consistent with a benign effect. The currently available literature and clinical evidence are not sufficient to establish a definitive association between this variant and the reported condition. Therefore, this variant is classified as a variant of uncertain significance.

Ambry Genetics
Classification: Uncertain significance. Last evaluated: 2025-03-07. Review status: criteria provided, single submitter. Criteria: Ambry Variant Classification Scheme 2023. Collection method: clinical testing. Allele origin: germline.